The following is an entry in ClinVar:

NM_032581.4(HYCC1):c.1480G>A (p.Val494Ile)

Gene: HYCC1 (hyccin PI4KA lipid kinase complex subunit 1; minus strand). Cytogenetic location: 7p15.3.
Variant type: single nucleotide variant.
Coding change: c.1480G>A on transcript NM_032581.4 (MANE Select); coding-DNA position 1480, G replaced by A.
Protein change: p.Val494Ile; replaces valine 494 with isoleucine.
Molecular consequence: missense variant. On other transcripts: 3 prime UTR variant (2).
Genome position (GRCh38, 1-based): chr7:22,945,675, C>T on the plus strand (G>A on the coding strand, the complement: HYCC1 is on the minus strand). VCF-style: chr7-22945675-C-T. GRCh37 (hg19) VCF-style: chr7-22985294-C-T.
Other names: c.*516G>A (NM_001363466.2); c.*474G>A (NM_001363467.2); short protein forms V494I.
Identifiers: ClinVar variation 359770 (VCV000359770.18), dbSNP rs151228394, ClinGen allele CA4185717.

ClinVar aggregate classification (germline): Conflicting classifications of pathogenicity. Review status: criteria provided, conflicting classifications (1 of 4 stars). 6 submissions from 6 submitters: Uncertain significance (5); Likely benign (1). Last evaluated 2025-10-06.

Conditions:
Inborn genetic diseases. Identifiers: MedGen C0950123, MeSH D030342.
Hypomyelination and Congenital Cataract (HLD5). Also called: hypomyelinating leukodystrophy 5. Identifiers: Orphanet 85163, MedGen C1864663, MONDO:0012514, OMIM 610532.

Allele frequency attached by ClinVar (database versions not stated): gnomAD exomes 0.00042 and 0.00065; gnomAD 0.00046 and 0.00049; TOPMed 0.00046; ExAC 0.00054; ESP Exome Variant Server 0.00085.
gnomAD v4.1: 986 of 1,613,766 alleles (0.061%); highest among the groups gnomAD compares: Non-Finnish European, 0.08%; no homozygotes.

Submissions (6):

Mayo Clinic Laboratories, Mayo Clinic
Classification: Uncertain significance. Last evaluated: 2025-10-06. Review status: criteria provided, single submitter. Criteria: ACMG Guidelines, 2015. Collection method: clinical testing. Allele origin: germline. Observed: 5 variant alleles.
Comment: BP4

Blueprint Genetics
Classification: Likely benign. Last evaluated: 2024-11-23. Review status: criteria provided, single submitter. Criteria: ACMG Guidelines, 2015. Collection method: clinical testing. Allele origin: germline.

Labcorp Genetics (formerly Invitae), Labcorp
Classification: Uncertain significance for Hypomyelination and Congenital Cataract. Last evaluated: 2024-01-17. Review status: criteria provided, single submitter. Criteria: Invitae Variant Classification Sherloc (09022015). Collection method: clinical testing. Allele origin: germline.
Comment: This sequence change replaces valine, which is neutral and non-polar, with isoleucine, which is neutral and non-polar, at codon 494 of the FAM126A protein (p.Val494Ile). This variant is present in population databases (rs151228394, gnomAD 0.08%). This variant has not been reported in the literature in individuals affected with FAM126A-related conditions. ClinVar contains an entry for this variant (Variation ID: 359770). Algorithms developed to predict the effect of missense changes on protein structure and function output the following: SIFT: "Not Available"; PolyPhen-2: "Benign"; Align-GVGD: "Not Available". The isoleucine amino acid residue is found in multiple mammalian species, which suggests that this missense change does not adversely affect protein function. In summary, the available evidence is currently insufficient to determine the role of this variant in disease. Therefore, it has been classified as a Variant of Uncertain Significance.

Ambry Genetics
Classification: Uncertain significance for Inborn genetic diseases. Last evaluated: 2022-07-18. Review status: criteria provided, single submitter. Criteria: Ambry Variant Classification Scheme 2023. Collection method: clinical testing. Allele origin: germline.

Revvity Omics, Revvity
Classification: Uncertain significance for Hypomyelination and Congenital Cataract. Last evaluated: 2019-12-05. Review status: criteria provided, single submitter. Criteria: ACMG Guidelines, 2015. Collection method: clinical testing. Allele origin: germline.

Illumina Laboratory Services, Illumina
Classification: Uncertain significance for Hypomyelination and Congenital Cataract. Last evaluated: 2018-01-12. Review status: criteria provided, single submitter. Criteria: ICSL Variant Classification Criteria 13 December 2019. Collection method: clinical testing. Allele origin: germline.